The following is an entry in ClinVar:

ClinVar aggregate classification (germline): Uncertain significance. Review status: criteria provided, multiple submitters, no conflicts (2 of 4 stars). 3 submissions from 3 submitters: Uncertain significance (3). Last evaluated 2023-12-16.

Conditions:
Immunodeficiency 51 (IMD51). Also called: CANDIDIASIS, FAMILIAL, 5. Identifiers: Orphanet 1334, MedGen C4310803, MONDO:0013500, OMIM 613953.

Allele frequency attached by ClinVar (database versions not stated): gnomAD 0.00001; gnomAD exomes 0.00001 and 0.00002; TOPMed 0.00001.
gnomAD v4.1: 32 of 1,613,946 alleles (0.002%); highest among the groups gnomAD compares: Non-Finnish European, 0.0027%; no homozygotes.

Submissions (3):

Ambry Genetics
Classification: Uncertain significance. Last evaluated: 2023-12-16. Review status: criteria provided, single submitter. Criteria: Ambry Variant Classification Scheme 2023. Collection method: clinical testing. Allele origin: germline.

Labcorp Genetics (formerly Invitae), Labcorp
Classification: Uncertain significance for Immunodeficiency 51. Last evaluated: 2021-10-31. Review status: criteria provided, single submitter. Criteria: Invitae Variant Classification Sherloc (09022015). Collection method: clinical testing. Allele origin: germline.
Comment: ClinVar contains an entry for this variant (Variation ID: 340566). In summary, the available evidence is currently insufficient to determine the role of this variant in disease. Therefore, it has been classified as a Variant of Uncertain Significance. Algorithms developed to predict the effect of missense changes on protein structure and function output the following: SIFT: "Tolerated"; PolyPhen-2: "Benign"; Align-GVGD: "Class C0". The aspartic acid amino acid residue is found in multiple mammalian species, which suggests that this missense change does not adversely affect protein function. This variant has not been reported in the literature in individuals affected with IL17RA-related conditions. This variant is present in population databases (no rsID available, gnomAD 0.002%). This sequence change replaces asparagine, which is neutral and polar, with aspartic acid, which is acidic and polar, at codon 67 of the IL17RA protein (p.Asn67Asp).

Illumina Laboratory Services, Illumina
Classification: Uncertain significance for Immunodeficiency 51. Last evaluated: 2018-01-12. Review status: criteria provided, single submitter. Criteria: ICSL Variant Classification Criteria 13 December 2019. Collection method: clinical testing. Allele origin: germline.

NM_014339.7(IL17RA):c.199A>G (p.Asn67Asp)

Gene: IL17RA (interleukin 17 receptor A; plus strand). Cytogenetic location: 22q11.1.
Variant type: single nucleotide variant.
Coding change: c.199A>G on transcript NM_014339.7 (MANE Select); coding-DNA position 199, A replaced by G.
Protein change: p.Asn67Asp; replaces asparagine 67 with aspartic acid.
Molecular consequence: missense variant.
Genome position (GRCh38, 1-based): chr22:17,097,832, A>G. VCF-style: chr22-17097832-A-G. GRCh37 (hg19) VCF-style: chr22-17578722-A-G.
Other names: c.199A>G, p.Asn67Asp (NM_001289905.2); c.199A>G (NM_014339.5); short protein forms N67D.
Identifiers: ClinVar variation 340566 (VCV000340566.10), dbSNP rs886057201, ClinGen allele CA10653760.